The following is an entry in ClinVar:

NM_000138.5(FBN1):c.2294-5T>C

Gene: FBN1 (fibrillin 1; minus strand). Cytogenetic location: 15q21.1.
Variant type: single nucleotide variant.
Coding change: c.2294-5T>C on transcript NM_000138.5 (MANE Select); 5 bases into the intron before coding-DNA position 2294, T replaced by C.
Molecular consequence: intron variant.
Genome position (GRCh38, 1-based): chr15:48,496,230, A>G on the plus strand (T>C on the coding strand, the complement: FBN1 is on the minus strand). VCF-style: chr15-48496230-A-G. GRCh37 (hg19) VCF-style: chr15-48788427-A-G.
Other names: c.2294-5T>C (NM_001406716.1).
Identifiers: ClinVar variation 3069884 (VCV003069884.1), dbSNP rs1174070663, ClinGen allele CA617837738.
Genomic context (GRCh38, chr15:48,496,230, plus strand): 5'-ATTTCTACATTGTCCATTGTCACAAAGGAGACTGTTCAGTACACATTCATTAATATCTGC[A>G]AAGTCAATGAAAATAAACACTTAAAAAGGGCCCAAACTTTGCCTGTATCTACTTTGCTCT-3'

ClinVar aggregate classification (germline): Likely benign (1 of 4 stars; one submission).

Conditions:
Marfan syndrome (MFS). Also called: MARFAN SYNDROME, TYPE I; Marfan syndrome type 1; Marfan's syndrome; Marfan syndrome, classic; FBN1-Related Marfan Syndrome. Identifiers: Orphanet 284963, Orphanet 558, MedGen C0024796, MONDO:0007947, OMIM 154700.

Submission:

All of Us Research Program, National Institutes of Health
Classification: Likely benign for Marfan syndrome. Last evaluated: 2023-03-09. Review status: criteria provided, single submitter. Criteria: ACMG Guidelines, 2015. Collection method: clinical testing. Allele origin: germline. Inheritance: Autosomal dominant inheritance. Observed: 1 variant allele, 1 heterozygote.
Comment: This study involves interpretation of variants in research participants for the purpose of population health screening. Participant phenotype was not available at the time of variant classification. Additional details can be found in publication PMID: 35346344, PMCID: PMC8962531